The following is an entry in ClinVar:

NM_001378609.3(OTOGL):c.3914G>A (p.Arg1305Gln)

Gene: OTOGL (otogelin like; plus strand). Cytogenetic location: 12q21.31.
Variant type: single nucleotide variant.
Coding change: c.3914G>A on transcript NM_001378609.3 (MANE Select); coding-DNA position 3914, G replaced by A.
Protein change: p.Arg1305Gln; replaces arginine 1305 with glutamine.
Molecular consequence: missense variant.
Genome position (GRCh38, 1-based): chr12:80,320,533, G>A. VCF-style: chr12-80320533-G-A. GRCh37 (hg19) VCF-style: chr12-80714313-G-A.
Other names: c.3779G>A, p.Arg1260Gln (NM_001368062.3); c.3914G>A, p.Arg1305Gln (NM_001378610.3, NM_173591.7); short protein forms R1260Q, R1305Q.
Identifiers: ClinVar variation 1307169 (VCV001307169.4), dbSNP rs369089877, ClinGen allele CA6701210.

ClinVar aggregate classification (germline): Uncertain significance. Review status: criteria provided, multiple submitters, no conflicts (2 of 4 stars). 2 submissions from 2 submitters: Uncertain significance (2). Last evaluated 2025-09-30.

Allele frequency attached by ClinVar (database versions not stated): gnomAD 0.00005; ESP Exome Variant Server 0.00008; ExAC 0.00014; gnomAD exomes 0.00016; TOPMed 0.00007.
gnomAD v4.1: 160 of 1,613,412 alleles (0.0099%); highest among the groups gnomAD compares: Admixed American, 0.047%; no homozygotes.

Submissions (2):

GeneDx
Classification: Uncertain significance. Last evaluated: 2025-09-30. Review status: criteria provided, single submitter. Criteria: GeneDx Variant Classification Process June 2021. Collection method: clinical testing. Allele origin: germline. Affected: yes.
Comment: In silico analysis suggests that this missense variant does not alter protein structure/function; Has not been previously published as pathogenic or benign to our knowledge

Labcorp Genetics (formerly Invitae), Labcorp
Classification: Uncertain significance. Last evaluated: 2022-03-01. Review status: criteria provided, single submitter. Criteria: Invitae Variant Classification Sherloc (09022015). Collection method: clinical testing. Allele origin: germline.
Comment: This sequence change replaces arginine, which is basic and polar, with glutamine, which is neutral and polar, at codon 1296 of the OTOGL protein (p.Arg1296Gln). This variant is present in population databases (rs369089877, gnomAD 0.08%). This variant has not been reported in the literature in individuals affected with OTOGL-related conditions. ClinVar contains an entry for this variant (Variation ID: 1307169). Algorithms developed to predict the effect of missense changes on protein structure and function output the following: SIFT: "Tolerated"; PolyPhen-2: "Benign"; Align-GVGD: "Class C0". The glutamine amino acid residue is found in multiple mammalian species, which suggests that this missense change does not adversely affect protein function. Algorithms developed to predict the effect of sequence changes on RNA splicing suggest that this variant may create or strengthen a splice site. In summary, the available evidence is currently insufficient to determine the role of this variant in disease. Therefore, it has been classified as a Variant of Uncertain Significance.